The following is an entry in ClinVar:

ClinVar aggregate classification (germline): Uncertain significance (1 of 4 stars; one submission).

Submission:

GeneDx
Classification: Uncertain significance. Last evaluated: 2024-09-26. Review status: criteria provided, single submitter. Criteria: GeneDx Variant Classification Process June 2021. Collection method: clinical testing. Allele origin: germline. Affected: yes.
Comment: Not observed at significant frequency in large population cohorts (gnomAD); In silico analysis supports a deleterious effect on protein structure/function; Has not been previously published as pathogenic or benign to our knowledge

NM_138694.4(PKHD1):c.5608_5609delinsGG (p.Leu1870Gly)

Gene: PKHD1 (PKHD1 ciliary IPT domain containing fibrocystin/polyductin; minus strand). Cytogenetic location: 6p12.2.
Variant type: Indel.
Coding change: c.5608_5609delinsGG on transcript NM_138694.4 (MANE Select); coding-DNA positions 5608 to 5609, TT replaced by GG.
Protein change: p.Leu1870Gly; replaces leucine 1870 with glycine.
Molecular consequence: missense variant.
Genome position (GRCh38, 1-based): chr6:52,010,451-52,010,452, AA replaced by CC on the plus strand (TT replaced by GG on the coding strand, the reverse complement: PKHD1 is on the minus strand). VCF-style: chr6-52010451-AA-CC. GRCh37 (hg19) VCF-style: chr6-51875249-AA-CC.
Other names: c.5608_5609delinsGG, p.Leu1870Gly (NM_170724.3); short protein forms L1870G.
Identifiers: ClinVar variation 3774708 (VCV003774708.1).